The following is an entry in ClinVar:

NM_004415.4(DSP):c.1215C>T (p.Cys405=)

Gene: DSP (desmoplakin; plus strand). Cytogenetic location: 6p24.3.
Variant type: single nucleotide variant.
Coding change: c.1215C>T on transcript NM_004415.4 (MANE Select); coding-DNA position 1215, C replaced by T.
Protein change: p.Cys405=; no amino-acid change (cysteine 405 retained).
Molecular consequence: synonymous variant.
Genome position (GRCh38, 1-based): chr6:7,567,855, C>T. VCF-style: chr6-7567855-C-T. GRCh37 (hg19) VCF-style: chr6-7568088-C-T.
Other names: c.1215C>T, p.Cys405= (NM_001008844.3, NM_001319034.2).
Identifiers: ClinVar variation 920968 (VCV000920968.14), dbSNP rs377500825, ClinGen allele CA027241.

ClinVar aggregate classification (germline): Likely benign. Review status: criteria provided, multiple submitters, no conflicts (2 of 4 stars). 4 submissions from 4 submitters: Likely benign (4). Last evaluated 2025-09-27.

Conditions:
Cardiovascular phenotype. Identifiers: MedGen CN230736.
Cardiomyopathy (CMYO). Also called: Cardiomyopathies. Identifiers: Orphanet 167848, MedGen C0878544, MONDO:0004994, HP:0001638. Inheritance: Various modes of inheritance.
Arrhythmogenic cardiomyopathy with wooly hair and keratoderma. Also called: PALMOPLANTAR KERATODERMA WITH LEFT VENTRICULAR CARDIOMYOPATHY AND WOOLLY HAIR; Carvajal syndrome; Dilated cardiomyopathy with woolly hair and keratoderma; Arrhythmogenic cardiomyopathy with woolly hair and keratoderma. Identifiers: Orphanet 65282, MedGen C1854063, MONDO:0011581, OMIM 605676.
Arrhythmogenic right ventricular dysplasia 8 (ARVD8). Also called: Arrhythmogenic Right Ventricular Dysplasia/Cardiomyopathy 8; ARRHYTHMOGENIC RIGHT VENTRICULAR DYSPLASIA, FAMILIAL, 8; ARRHYTHMOGENIC RIGHT VENTRICULAR CARDIOMYOPATHY 8. Identifiers: MedGen C1843896, MONDO:0011831, OMIM 607450.

Allele frequency attached by ClinVar (database versions not stated): gnomAD exomes 0.00001 and 0.00002; TOPMed 0.00001; ExAC 0.00002; gnomAD 0.00002; ESP Exome Variant Server 0.00008.
gnomAD v4.1: 14 of 1,613,912 alleles (0.00087%); highest among the groups gnomAD compares: Admixed American, 0.0017%; no homozygotes.

Submissions (4):

Labcorp Genetics (formerly Invitae), Labcorp
Classification: Likely benign for Arrhythmogenic cardiomyopathy with wooly hair and keratoderma; Arrhythmogenic right ventricular dysplasia 8. Last evaluated: 2025-09-27. Review status: criteria provided, single submitter. Criteria: Invitae Variant Classification Sherloc (09022015). Collection method: clinical testing. Allele origin: germline.

All of Us Research Program, National Institutes of Health
Classification: Likely benign for Arrhythmogenic cardiomyopathy with wooly hair and keratoderma. Last evaluated: 2023-12-18. Review status: criteria provided, single submitter. Criteria: ACMG Guidelines, 2015. Collection method: clinical testing. Allele origin: germline. Inheritance: Autosomal dominant inheritance. Observed: 3 variant alleles, 3 heterozygotes.
Comment: This study involves interpretation of variants in research participants for the purpose of population health screening. Participant phenotype was not available at the time of variant classification. Additional details can be found in publication PMID: 35346344, PMCID: PMC8962531

Ambry Genetics
Classification: Likely benign for Cardiovascular phenotype. Last evaluated: 2021-03-27. Review status: criteria provided, single submitter. Criteria: Ambry Variant Classification Scheme 2023. Collection method: clinical testing. Allele origin: germline.

Color Diagnostics, LLC DBA Color Health
Classification: Likely benign for Cardiomyopathy. Last evaluated: 2019-02-09. Review status: criteria provided, single submitter. Criteria: ACMG Guidelines, 2015. Collection method: clinical testing. Allele origin: germline.